The following is an entry in ClinVar:

NM_004655.4(AXIN2):c.405C>T (p.Tyr135=)

Gene: AXIN2 (axin 2; minus strand). Cytogenetic location: 17q24.1.
Variant type: single nucleotide variant.
Coding change: c.405C>T on transcript NM_004655.4 (MANE Select); coding-DNA position 405, C replaced by T.
Protein change: p.Tyr135=; no amino-acid change (tyrosine 135 retained).
Molecular consequence: synonymous variant.
Genome position (GRCh38, 1-based): chr17:65,558,216, G>A on the plus strand (C>T on the coding strand, the complement: AXIN2 is on the minus strand). VCF-style: chr17-65558216-G-A. GRCh37 (hg19) VCF-style: chr17-63554334-G-A.
Other names: c.405C>T (LRG_296t1); c.405C>T, p.Tyr135= (NM_001363813.1).
Identifiers: ClinVar variation 464621 (VCV000464621.21), dbSNP rs141608578, ClinGen allele CA8719055.

ClinVar aggregate classification (germline): Conflicting classifications of pathogenicity. Review status: criteria provided, conflicting classifications (1 of 4 stars). 6 submissions from 6 submitters: Uncertain significance (1); Benign (1); Likely benign (3). 1 of the submissions does not count toward it. Last evaluated 2026-01-28.

Conditions:
Hereditary cancer-predisposing syndrome. Also called: Neoplastic Syndromes, Hereditary; Tumor predisposition; Hereditary Cancer Syndrome; Hereditary neoplastic syndrome. Identifiers: Orphanet 140162, MedGen C0027672, MeSH D009386, MONDO:0015356.
Oligodontia-cancer predisposition syndrome. Also called: TOOTH AGENESIS-COLORECTAL CANCER SYNDROME. Identifiers: Orphanet 300576, MedGen C1837750, MONDO:0012075, OMIM 608615. Disease mechanism: loss of function.

Allele frequency attached by ClinVar (database versions not stated): ExAC 0.00001; gnomAD 0.00001; gnomAD exomes 0.00002 and 0.00008; TOPMed 0.00002; ESP Exome Variant Server 0.00008.
gnomAD v4.1: 116 of 1,613,976 alleles (0.0072%); highest among the groups gnomAD compares: Non-Finnish European, 0.0096%; no homozygotes.

Submissions (6):

Labcorp Genetics (formerly Invitae), Labcorp
Classification: Likely benign for Oligodontia-cancer predisposition syndrome. Last evaluated: 2026-01-28. Review status: criteria provided, single submitter. Criteria: Invitae Variant Classification Sherloc (09022015). Collection method: clinical testing. Allele origin: germline.

Quest Diagnostics Nichols Institute San Juan Capistrano
Classification: Uncertain significance. Last evaluated: 2024-10-11. Review status: criteria provided, single submitter. Criteria: Quest Diagnostics criteria. Collection method: clinical testing. Allele origin: unknown.
Comment: The AXIN2 c.405C>T (p.Tyr135=) synonymous variant has not been reported in individuals with AXIN2-related conditions in the published literature. The frequency of this variant in the general population, 0.000035 (4/113766 chromosomes (Genome Aggregation Database)), is uninformative in the assessment of its pathogenicity. Analysis of this variant using software algorithms for the prediction of the effect of nucleotide changes on splicing yielded predictions that this variant does not affect AXIN2 mRNA splicing. Based on the available information, we are unable to determine the clinical significance of this variant.

Myriad Genetics, Inc.
Classification: Benign for Oligodontia-cancer predisposition syndrome. Last evaluated: 2024-06-26. Review status: criteria provided, single submitter. Criteria: Myriad Autosomal Dominant, Autosomal Recessive and X-Linked Classification Criteria (2023). Collection method: clinical testing. Allele origin: unknown.
Comment: This variant is considered benign. This variant is a silent/synonymous amino acid change and it is not expected to impact splicing.

Ambry Genetics
Classification: Likely benign for Hereditary cancer-predisposing syndrome. Last evaluated: 2021-11-09. Review status: criteria provided, single submitter. Criteria: Ambry Variant Classification Scheme 2023. Collection method: clinical testing. Allele origin: germline.

GeneDx
Classification: Likely benign. Last evaluated: 2019-10-22. Review status: criteria provided, single submitter. Criteria: GeneDx Variant Classification Process June 2021. Collection method: clinical testing. Allele origin: germline. Affected: yes.

Genetic Services Laboratory, University of Chicago
Classification: Likely benign. Last evaluated: 2022-12-09. Review status: no assertion criteria provided. Collection method: clinical testing. Allele origin: germline. Affected: no. Not counted in ClinVar's aggregate classification.